The following is an entry in ClinVar:

NM_018191.4(RCBTB1):c.332C>T (p.Thr111Met)

Gene: RCBTB1 (RCC1 and BTB domain containing protein 1; minus strand). Cytogenetic location: 13q14.2.
Variant type: single nucleotide variant.
Coding change: c.332C>T on transcript NM_018191.4 (MANE Select); coding-DNA position 332, C replaced by T.
Protein change: p.Thr111Met; replaces threonine 111 with methionine.
Molecular consequence: missense variant. On other transcripts: 5 prime UTR variant (1), non-coding transcript variant (2).
Genome position (GRCh38, 1-based): chr13:49,560,030, G>A on the plus strand (C>T on the coding strand, the complement: RCBTB1 is on the minus strand). VCF-style: chr13-49560030-G-A. GRCh37 (hg19) VCF-style: chr13-50134166-G-A.
Other names: c.332C>T, p.Thr111Met (NM_001352500.2, NM_001352501.2, NM_001352502.2 and 3 more transcripts); c.-278C>T (NM_001352506.2); short protein forms T111M.
Identifiers: ClinVar variation 838802 (VCV000838802.5), dbSNP rs371060996, ClinGen allele CA6982914.

ClinVar aggregate classification (germline): Uncertain significance (1 of 4 stars; one submission).

Allele frequency attached by ClinVar (database versions not stated): gnomAD 0.00003; TOPMed 0.00003.
gnomAD v4.1: 62 of 1,613,990 alleles (0.0038%); highest among the groups gnomAD compares: South Asian, 0.0088%; no homozygotes.

Submission:

Labcorp Genetics (formerly Invitae), Labcorp
Classification: Uncertain significance. Last evaluated: 2022-10-05. Review status: criteria provided, single submitter. Criteria: Invitae Variant Classification Sherloc (09022015). Collection method: clinical testing. Allele origin: germline.
Comment: This sequence change replaces threonine, which is neutral and polar, with methionine, which is neutral and non-polar, at codon 111 of the RCBTB1 protein (p.Thr111Met). In summary, the available evidence is currently insufficient to determine the role of this variant in disease. Therefore, it has been classified as a Variant of Uncertain Significance. Advanced modeling of protein sequence and biophysical properties (such as structural, functional, and spatial information, amino acid conservation, physicochemical variation, residue mobility, and thermodynamic stability) has been performed at Invitae for this missense variant, however the output from this modeling did not meet the statistical confidence thresholds required to predict the impact of this variant on RCBTB1 protein function. ClinVar contains an entry for this variant (Variation ID: 838802). This variant has not been reported in the literature in individuals affected with RCBTB1-related conditions. This variant is present in population databases (rs371060996, gnomAD 0.03%).